The following is an entry in ClinVar:

ClinVar aggregate classification (germline): Uncertain significance. Review status: criteria provided, multiple submitters, no conflicts (2 of 4 stars). 2 submissions from 2 submitters: Uncertain significance (2). Last evaluated 2025-08-12.

gnomAD v4.1: 3 of 1,614,136 alleles (0.00019%); highest among the groups gnomAD compares: Non-Finnish European, 0.00025%; no homozygotes.

Submissions (2):

Ambry Genetics
Classification: Uncertain significance. Last evaluated: 2025-08-12. Review status: criteria provided, single submitter. Criteria: Ambry Variant Classification Scheme 2023. Collection method: clinical testing. Allele origin: germline.

Labcorp Genetics (formerly Invitae), Labcorp
Classification: Uncertain significance. Last evaluated: 2024-06-02. Review status: criteria provided, single submitter. Criteria: Invitae Variant Classification Sherloc (09022015). Collection method: clinical testing. Allele origin: germline.
Comment: This sequence change replaces serine, which is neutral and polar, with tyrosine, which is neutral and polar, at codon 568 of the ROR1 protein (p.Ser568Tyr). This variant is not present in population databases (gnomAD no frequency). This variant has not been reported in the literature in individuals affected with ROR1-related conditions. Advanced modeling of protein sequence and biophysical properties (such as structural, functional, and spatial information, amino acid conservation, physicochemical variation, residue mobility, and thermodynamic stability) performed at Invitae indicates that this missense variant is expected to disrupt ROR1 protein function with a positive predictive value of 80%. In summary, the available evidence is currently insufficient to determine the role of this variant in disease. Therefore, it has been classified as a Variant of Uncertain Significance.

NM_005012.4(ROR1):c.1703C>A (p.Ser568Tyr)

Gene: ROR1 (receptor tyrosine kinase like orphan receptor 1; plus strand). Cytogenetic location: 1p31.3.
Variant type: single nucleotide variant.
Coding change: c.1703C>A on transcript NM_005012.4 (MANE Select); coding-DNA position 1703, C replaced by A.
Protein change: p.Ser568Tyr; replaces serine 568 with tyrosine.
Molecular consequence: missense variant.
Genome position (GRCh38, 1-based): chr1:64,177,744, C>A. VCF-style: chr1-64177744-C-A. GRCh37 (hg19) VCF-style: chr1-64643427-C-A.
Other names: c.1703C>A (NM_005012.2); short protein forms S568Y.
Identifiers: ClinVar variation 3654667 (VCV003654667.3).